The following is an entry in ClinVar:

ClinVar aggregate classification (germline): Uncertain significance (1 of 4 stars; one submission).

Allele frequency attached by ClinVar (database versions not stated): gnomAD 0.00007; ESP Exome Variant Server 0.00008; TOPMed 0.00009.
gnomAD v4.1: 70 of 1,614,068 alleles (0.0043%); highest among the groups gnomAD compares: East Asian, 0.018%; no homozygotes.

Submission:

Labcorp Genetics (formerly Invitae), Labcorp
Classification: Uncertain significance. Last evaluated: 2024-12-05. Review status: criteria provided, single submitter. Criteria: Invitae Variant Classification Sherloc (09022015). Collection method: clinical testing. Allele origin: germline.
Comment: This sequence change replaces arginine, which is basic and polar, with glutamine, which is neutral and polar, at codon 553 of the PCK2 protein (p.Arg553Gln). This variant is present in population databases (rs149521304, gnomAD 0.04%). This variant has not been reported in the literature in individuals affected with PCK2-related conditions. ClinVar contains an entry for this variant (Variation ID: 2716066). Invitae Evidence Modeling of protein sequence and biophysical properties (such as structural, functional, and spatial information, amino acid conservation, physicochemical variation, residue mobility, and thermodynamic stability) indicates that this missense variant is expected to disrupt PCK2 protein function with a positive predictive value of 80%. In summary, the available evidence is currently insufficient to determine the role of this variant in disease. Therefore, it has been classified as a Variant of Uncertain Significance.

NM_004563.4(PCK2):c.1658G>A (p.Arg553Gln)

Genes: NRL (neural retina leucine zipper; minus strand), PCK2 (phosphoenolpyruvate carboxykinase 2, mitochondrial; plus strand). Cytogenetic location: 14q12.
Variant type: single nucleotide variant.
Coding change: c.1658G>A on transcript NM_004563.4 (MANE Select); coding-DNA position 1658, G replaced by A.
Protein change: p.Arg553Gln; replaces arginine 553 with glutamine.
Molecular consequence: missense variant. On other transcripts: intron variant (3).
Genome position (GRCh38, 1-based): chr14:24,103,699, G>A. VCF-style: chr14-24103699-G-A. GRCh37 (hg19) VCF-style: chr14-24572908-G-A.
Other names: c.1256G>A, p.Arg419Gln (NM_001291556.2, NM_001308054.2); c.-28+11023C>T (NM_001354768.3, NM_001354770.2); c.-254+11023C>T (NM_006177.5); short protein forms R419Q, R553Q.
Identifiers: ClinVar variation 2716066 (VCV002716066.3), dbSNP rs149521304, ClinGen allele CA7123587.